The following is an entry in ClinVar:

NM_001013838.3(CARMIL2):c.1823A>G (p.Asn608Ser)

Gene: CARMIL2 (capping protein regulator and myosin 1 linker 2; plus strand). Cytogenetic location: 16q22.1.
Variant type: single nucleotide variant.
Coding change: c.1823A>G on transcript NM_001013838.3 (MANE Select); coding-DNA position 1823, A replaced by G.
Protein change: p.Asn608Ser; replaces asparagine 608 with serine.
Molecular consequence: missense variant.
Genome position (GRCh38, 1-based): chr16:67,649,523, A>G. VCF-style: chr16-67649523-A-G. GRCh37 (hg19) VCF-style: chr16-67683426-A-G.
Other names: c.1715A>G, p.Asn572Ser (NM_001317026.3); short protein forms N608S, N572S.
Identifiers: ClinVar variation 1460781 (VCV001460781.6), dbSNP rs764680251, ClinGen allele CA8113573.
Genomic context (GRCh38, chr16:67,649,523, plus strand): 5'-CGGTGGCTGAGTCTCGGCTGAAGCTGGGTGCCAGCGTCCTACTCCGGGCCCTAGCCACCA[A>G]TCCTAACCTGACCGCGCTGGATATCAGCGGCAACGCCATGGGGGACGCGGGCGCCAAGTT-3'
Protein context (NP_001013860.1, residues 598-618): ASVLLRALAT[Asn608Ser]PNLTALDISG

ClinVar aggregate classification (germline): Uncertain significance (1 of 4 stars; one submission).

Allele frequency attached by ClinVar (database versions not stated): TOPMed 0.00001; gnomAD 0.00002; ExAC 0.00003; gnomAD exomes 0.00003.
gnomAD v4.1: 45 of 1,607,650 alleles (0.0028%); highest among the groups gnomAD compares: Non-Finnish European, 0.0036%; no homozygotes.

Submission:

Labcorp Genetics (formerly Invitae), Labcorp
Classification: Uncertain significance. Last evaluated: 2024-09-30. Review status: criteria provided, single submitter. Criteria: Invitae Variant Classification Sherloc (09022015). Collection method: clinical testing. Allele origin: germline.
Comment: This sequence change replaces asparagine, which is neutral and polar, with serine, which is neutral and polar, at codon 608 of the CARMIL2 protein (p.Asn608Ser). This variant is present in population databases (rs764680251, gnomAD 0.006%). This variant has not been reported in the literature in individuals affected with CARMIL2-related conditions. ClinVar contains an entry for this variant (Variation ID: 1460781). Invitae Evidence Modeling of protein sequence and biophysical properties (such as structural, functional, and spatial information, amino acid conservation, physicochemical variation, residue mobility, and thermodynamic stability) indicates that this missense variant is not expected to disrupt CARMIL2 protein function with a negative predictive value of 80%. In summary, the available evidence is currently insufficient to determine the role of this variant in disease. Therefore, it has been classified as a Variant of Uncertain Significance.